The following is an entry in ClinVar:

NM_058004.4(PI4KA):c.2987+38A>G

Gene: PI4KA (phosphatidylinositol 4-kinase alpha; minus strand). Cytogenetic location: 22q11.21.
Variant type: single nucleotide variant.
Coding change: c.2987+38A>G on transcript NM_058004.4 (MANE Select); 38 bases into the intron after coding-DNA position 2987, A replaced by G.
Molecular consequence: intron variant.
Genome position (GRCh38, 1-based): chr22:20,752,865, T>C on the plus strand (A>G on the coding strand, the complement: PI4KA is on the minus strand). VCF-style: chr22-20752865-T-C. GRCh37 (hg19) VCF-style: chr22-21107153-T-C.
Other names: c.2921+38A>G (NM_001362863.2); c.2987+38A>G (NM_001362862.2).
Identifiers: ClinVar variation 1253498 (VCV001253498.7), dbSNP rs2329583, ClinGen allele CA10115538.

ClinVar aggregate classification (germline): Benign. Review status: criteria provided, multiple submitters, no conflicts (2 of 4 stars). 4 submissions from 4 submitters: Benign (4). Last evaluated 2024-01-24.

Conditions:
Polymicrogyria, perisylvian, with cerebellar hypoplasia and arthrogryposis (NEDSPLB). Identifiers: MedGen C4225295, MONDO:0014679, OMIM 616531.

Allele frequency attached by ClinVar (database versions not stated): ExAC 0.45730; gnomAD exomes 0.45991; gnomAD 0.48643 and 0.48914; ESP Exome Variant Server 0.49516; TOPMed 0.51284; 1000 Genomes Project 0.52137; 1000 Genomes Project 30x 0.52795.
gnomAD v4.1: 716,209 of 1,595,076 alleles (45%); highest among the groups gnomAD compares: African/African-American, 59%; 164,130 homozygotes.

Submissions (4):

Unidad de Genómica Garrahan, Hospital de Pediatría Garrahan
Classification: Benign. Last evaluated: 2024-01-24. Review status: criteria provided, single submitter. Criteria: ACMG Guidelines, 2015. Collection method: clinical testing. Allele origin: germline. Affected: no. Observed: 70 variant alleles.
Comment: This variant is classified as Benign based on local population frequency. This variant was detected in 74% of patients studied by a panel of primary immunodeficiencies. Number of patients: 70. Only high quality variants are reported.

Genome-Nilou Lab
Classification: Benign for Polymicrogyria, perisylvian, with cerebellar hypoplasia and arthrogryposis. Last evaluated: 2021-09-05. Review status: criteria provided, single submitter. Criteria: ACMG Guidelines, 2015. Collection method: clinical testing. Allele origin: germline. Affected: no.

GeneDx
Classification: Benign. Last evaluated: 2018-07-09. Review status: criteria provided, single submitter. Criteria: GeneDx Variant Classification Process June 2021. Collection method: clinical testing. Allele origin: germline. Affected: yes.

Breakthrough Genomics
Classification: Benign. Review status: criteria provided, single submitter. Criteria: ACMG Guidelines, 2015. Collection method: not provided. Allele origin: germline. Inheritance: Autosomal recessive inheritance. Affected: yes.